The following is an entry in ClinVar:

ClinVar aggregate classification (germline): not provided (0 of 4 stars; one submission).

Conditions:
Severe myoclonic epilepsy in infancy (DRVT). Also called: SEVERE MYOCLONIC EPILEPSY OF INFANCY; DEVELOPMENTAL AND EPILEPTIC ENCEPHALOPATHY 6A; Severe Myoclonic Epilepsy in Infancy (SMEI); Dravet syndrome; Epileptic encephalopathy, early infantile, 6 (Dravet syndrome). Identifiers: Orphanet 33069, MedGen C0751122, MONDO:0100135, OMIM 607208.

Submissions (2):

Channelopathy-Associated Epilepsy Research Center
No classification provided (evidence only). Condition: Severe myoclonic epilepsy in infancy. Review status: no classification provided. Collection method: literature only. Allele origin: not applicable. Functional consequence: Absence of peak current. Not counted in ClinVar's aggregate classification.
ClinVar note: "not provided" was previously submitted as the classification for the variant. However, the classification appeared to be based only on an observation of functional data so it was converted to no classification on 2025-07-30.

UniProtKB/Swiss-Prot
No classification provided. Condition: Severe myoclonic epilepsy in infancy. Review status: no classification provided. Collection method: not provided. Allele origin: germline.

Literature cited by the submitters: PubMed 12837571 (cited by Channelopathy-Associated Epilepsy Research Center).

NM_001165963.4(SCN1A):c.2954A>T (p.Asn985Ile)

Gene: SCN1A (sodium voltage-gated channel alpha subunit 1; minus strand). Cytogenetic location: 2q24.3.
Variant type: single nucleotide variant.
Coding change: c.2954A>T on transcript NM_001165963.4 (MANE Select); coding-DNA position 2954, A replaced by T.
Protein change: p.Asn985Ile; replaces asparagine 985 with isoleucine.
Molecular consequence: missense variant. On other transcripts: non-coding transcript variant (1).
Genome position (GRCh38, 1-based): chr2:166,036,523, T>A on the plus strand (A>T on the coding strand, the complement: SCN1A is on the minus strand). VCF-style: chr2-166036523-T-A. GRCh37 (hg19) VCF-style: chr2-166893033-T-A.
Other names: c.2870A>T, p.Asn957Ile (NM_001165964.3, NM_001353957.2, NM_001353958.2); c.2954A>T, p.Asn985Ile (NM_001202435.3, NM_001353948.2); c.2921A>T, p.Asn974Ile (NM_001353949.2, NM_001353950.2, NM_001353951.2 and 2 more transcripts); c.2918A>T, p.Asn973Ile (NM_001353954.2, NM_001353955.2); c.2867A>T, p.Asn956Ile (NM_001353960.2); c.512A>T, p.Asn171Ile (NM_001353961.2); short protein forms N974I, N985I, N956I, N171I, N957I, N973I.
Identifiers: ClinVar variation 68611 (VCV000068611.3), dbSNP rs121918747, ClinGen allele CA285117.